The following is an entry in ClinVar:

ClinVar aggregate classification (germline): Uncertain significance (1 of 4 stars; one submission).

Submission:

Labcorp Genetics (formerly Invitae), Labcorp
Classification: Uncertain significance. Last evaluated: 2022-09-15. Review status: criteria provided, single submitter. Criteria: Invitae Variant Classification Sherloc (09022015). Collection method: clinical testing. Allele origin: germline.
Comment: This variant has not been reported in the literature in individuals affected with HUWE1-related conditions. This sequence change falls in intron 61 of the HUWE1 gene. It does not directly change the encoded amino acid sequence of the HUWE1 protein. It affects a nucleotide within the consensus splice site. This variant is not present in population databases (gnomAD no frequency). Variants that disrupt the consensus splice site are a relatively common cause of aberrant splicing (PMID: 17576681, 9536098). Algorithms developed to predict the effect of sequence changes on RNA splicing suggest that this variant is not likely to affect RNA splicing. In summary, the available evidence is currently insufficient to determine the role of this variant in disease. Therefore, it has been classified as a Variant of Uncertain Significance.

Literature cited by the submitters: PubMed 17576681; PubMed 9536098.

NM_031407.7(HUWE1):c.8494+6T>C

Gene: HUWE1 (HECT, UBA and WWE domain containing E3 ubiquitin protein ligase 1; minus strand). Cytogenetic location: Xp11.22.
Variant type: single nucleotide variant.
Coding change: c.8494+6T>C on transcript NM_031407.7 (MANE Select); 6 bases into the intron after coding-DNA position 8494, T replaced by C.
Molecular consequence: intron variant.
Genome position (GRCh38, 1-based): chrX:53,554,627, A>G on the plus strand (T>C on the coding strand, the complement: HUWE1 is on the minus strand). VCF-style: chrX-53554627-A-G. GRCh37 (hg19) VCF-style: chrX-53581588-A-G.
Identifiers: ClinVar variation 2030735 (VCV002030735.4), dbSNP rs2523537544, ClinGen allele CA2580101217.